The following is an entry in ClinVar:

NM_000548.5(TSC2):c.3485C>G (p.Pro1162Arg)

Gene: TSC2 (TSC complex subunit 2; plus strand). Cytogenetic location: 16p13.3.
Variant type: single nucleotide variant.
Coding change: c.3485C>G on transcript NM_000548.5 (MANE Select); coding-DNA position 3485, C replaced by G.
Protein change: p.Pro1162Arg; replaces proline 1162 with arginine.
Molecular consequence: missense variant. On other transcripts: non-coding transcript variant (5).
Genome position (GRCh38, 1-based): chr16:2,080,252, C>G. VCF-style: chr16-2080252-C-G. GRCh37 (hg19) VCF-style: chr16-2130253-C-G.
Other names: c.3353C>G, p.Pro1118Arg (NM_001077183.3, NM_001370404.1, NM_001406665.1); c.3485C>G, p.Pro1162Arg (NM_001114382.3); c.3245C>G, p.Pro1082Arg (NM_001318827.2); c.3209C>G, p.Pro1070Arg (NM_001318829.2); c.2753C>G, p.Pro918Arg (NM_001318831.2, NM_001406687.1, NM_001406688.1); c.3386C>G, p.Pro1129Arg (NM_001318832.2); c.3356C>G, p.Pro1119Arg (NM_001363528.2, NM_001370405.1, NM_021055.3); c.3482C>G, p.Pro1161Arg (NM_001406663.1, NM_001406664.1); and 18 more; short protein forms P1069R, P1081R, P1112R, P1115R, P1119R, P1162R, P962R, P1114R.
Identifiers: ClinVar variation 3013557 (VCV003013557.3), dbSNP rs778069675, ClinGen allele CA394289046.

ClinVar aggregate classification (germline): Uncertain significance (1 of 4 stars; one submission).

Conditions:
Tuberous sclerosis 2 (TSC2). Identifiers: Orphanet 805, MedGen C1860707, MONDO:0013199, OMIM 613254.

Submission:

Labcorp Genetics (formerly Invitae), Labcorp
Classification: Uncertain significance for Tuberous sclerosis 2. Last evaluated: 2025-05-13. Review status: criteria provided, single submitter. Criteria: Invitae Variant Classification Sherloc (09022015). Collection method: clinical testing. Allele origin: germline.
Comment: This sequence change replaces proline, which is neutral and non-polar, with arginine, which is basic and polar, at codon 1162 of the TSC2 protein (p.Pro1162Arg). This variant is not present in population databases (gnomAD no frequency). This variant has not been reported in the literature in individuals affected with TSC2-related conditions. ClinVar contains an entry for this variant (Variation ID: 3013557). Invitae Evidence Modeling of protein sequence and biophysical properties (such as structural, functional, and spatial information, amino acid conservation, physicochemical variation, residue mobility, and thermodynamic stability) indicates that this missense variant is not expected to disrupt TSC2 protein function with a negative predictive value of 95%. In summary, the available evidence is currently insufficient to determine the role of this variant in disease. Therefore, it has been classified as a Variant of Uncertain Significance.